The following is an entry in ClinVar:

ClinVar aggregate classification (germline): Likely benign (0 of 4 stars; one submission).

Conditions:
LAMA5-related disorder. Also called: LAMA5-Related Disorders; LAMA5-related condition.

Allele frequency attached by ClinVar (database versions not stated): gnomAD 0.00002; ESP Exome Variant Server 0.00008; ExAC 0.00002.
gnomAD v4.1: 8 of 1,577,706 alleles (0.00051%); highest among the groups gnomAD compares: African/African-American, 0.0097%; no homozygotes.

Submission:

PreventionGenetics, part of Exact Sciences
Classification: Likely benign for LAMA5-related condition. Last evaluated: 2019-08-12. Review status: no assertion criteria provided. Collection method: clinical testing. Allele origin: germline.
Comment: This variant is classified as likely benign based on ACMG/AMP sequence variant interpretation guidelines (Richards et al. 2015 PMID: 25741868, with internal and published modifications).

NM_005560.6(LAMA5):c.5644-3C>T

Gene: LAMA5 (laminin subunit alpha 5; minus strand). Cytogenetic location: 20q13.33.
Variant type: single nucleotide variant.
Coding change: c.5644-3C>T on transcript NM_005560.6 (MANE Select); 3 bases into the intron before coding-DNA position 5644, C replaced by T.
Molecular consequence: intron variant.
Genome position (GRCh38, 1-based): chr20:62,324,207, G>A on the plus strand (C>T on the coding strand, the complement: LAMA5 is on the minus strand). VCF-style: chr20-62324207-G-A. GRCh37 (hg19) VCF-style: chr20-60899263-G-A.
Identifiers: ClinVar variation 3034721 (VCV003034721.2), dbSNP rs377390907, ClinGen allele CA9942103.
Genomic context (GRCh38, chr20:62,324,207, plus strand): 5'-TCACGAAGCCAGCCTGGCAGCGCTCACAGTGGGCCCCTTCGGTGTTGTGCTGGCAGTCCT[G>A]GGGCAGAGTGGACAGTCAGAGCTATGGTGGACACCCACATCCTACTGCCGAGTCTGTGCA-3'